The following is an entry in ClinVar:

NM_001321120.2(TBX4):c.455C>T (p.Pro152Leu)

Gene: TBX4 (T-box transcription factor 4; plus strand). Cytogenetic location: 17q23.2.
Variant type: single nucleotide variant.
Coding change: c.455C>T on transcript NM_001321120.2 (MANE Select); coding-DNA position 455, C replaced by T.
Protein change: p.Pro152Leu; replaces proline 152 with leucine.
Molecular consequence: missense variant.
Genome position (GRCh38, 1-based): chr17:61,467,563, C>T. VCF-style: chr17-61467563-C-T. GRCh37 (hg19) VCF-style: chr17-59544924-C-T.
Other names: c.455C>T, p.Pro152Leu (NM_018488.3); short protein forms P152L.
Identifiers: ClinVar variation 1341444 (VCV001341444.8), dbSNP rs760185283, ClinGen allele CA8689826.
Genomic context (GRCh38, chr17:61,467,563, plus strand): 5'-TTGGCAGGATGGTGGCAGGGAAGGCTGAGCCAGCCATGCCAGGAAGGCTGTATGTCCACC[C>T]GGATTCTCCTGCCACAGGAGCCCACTGGATGCGGCAGCTGGTCTCCTTCCAGAAGCTGAA-3'
Protein context (NP_001308049.1, residues 142-162): PAMPGRLYVH[Pro152Leu]DSPATGAHWM

ClinVar aggregate classification (germline): Uncertain significance. Review status: criteria provided, multiple submitters, no conflicts (2 of 4 stars). 2 submissions from 2 submitters: Uncertain significance (2). Last evaluated 2022-10-17.

Conditions:
Pulmonary hypertension, primary, 1 (PPH1). Also called: Pulmonary hypertension, familial primary, 1, with or without HHT. Identifiers: Orphanet 422, MedGen C4552070, MONDO:0024533, OMIM 178600.

Allele frequency attached by ClinVar (database versions not stated): ExAC 0.00002; gnomAD exomes 0.00002; TOPMed 0.00003.
gnomAD v4.1: 40 of 1,614,060 alleles (0.0025%); highest among the groups gnomAD compares: Non-Finnish European, 0.0032%; no homozygotes.

Submissions (2):

Labcorp Genetics (formerly Invitae), Labcorp
Classification: Uncertain significance. Last evaluated: 2022-10-17. Review status: criteria provided, single submitter. Criteria: Invitae Variant Classification Sherloc (09022015). Collection method: clinical testing. Allele origin: germline.
Comment: This missense change has been observed in individual(s) with pulmonary arterial hypertension (PMID: 31727138). This variant is present in population databases (rs760185283, gnomAD 0.004%). This sequence change replaces proline, which is neutral and non-polar, with leucine, which is neutral and non-polar, at codon 152 of the TBX4 protein (p.Pro152Leu). ClinVar contains an entry for this variant (Variation ID: 1341444). In summary, the available evidence is currently insufficient to determine the role of this variant in disease. Therefore, it has been classified as a Variant of Uncertain Significance. Advanced modeling of protein sequence and biophysical properties (such as structural, functional, and spatial information, amino acid conservation, physicochemical variation, residue mobility, and thermodynamic stability) performed at Invitae indicates that this missense variant is expected to disrupt TBX4 protein function.

Wendy Chung Laboratory, Boston Children's Hospital
Classification: Uncertain significance for Pulmonary hypertension, primary, 1. Last evaluated: 2019-11-01. Review status: criteria provided, single submitter. Criteria: ACMG Guidelines, 2015. Collection method: research. Allele origin: unknown. Inheritance: Autosomal dominant inheritance. Affected: yes.

Literature cited by the submitters: PubMed 31727138 (cited by Labcorp Genetics (formerly Invitae), Labcorp and Wendy Chung Laboratory, Boston Children's Hospital).